The following is an entry in ClinVar:

ClinVar aggregate classification (germline): Benign/Likely benign. Review status: criteria provided, multiple submitters, no conflicts (2 of 4 stars). 9 submissions from 9 submitters: Benign (1); Likely benign (8). Last evaluated 2026-02-02.

Conditions:
Familial thoracic aortic aneurysm and aortic dissection (TAAD). Also called: Thoracic aortic aneurysms and dissections. Identifiers: Orphanet 91387, MedGen C4707243, MONDO:0019625.
Ehlers-Danlos syndrome, type 4 (EDSVASC). Also called: Ehlers-Danlos Syndrome Type IV; Ehlers-Danlos syndrome vascular type; Ehlers Danlos syndrome, ecchymotic type; Ehlers Danlos syndrome, arterial type; Ehlers Danlos syndrome, Sack-Barabas type. Identifiers: Orphanet 286, MedGen C0268338, MONDO:0017314, OMIM 130050.

Allele frequency attached by ClinVar (database versions not stated): ExAC 0.00007; ESP Exome Variant Server 0.00008; 1000 Genomes Project 30x 0.00016; gnomAD 0.00016; TOPMed 0.00018; 1000 Genomes Project 0.00020.
gnomAD v4.1: 117 of 1,613,352 alleles (0.0073%); highest among the groups gnomAD compares: African/African-American, 0.059%; no homozygotes.

Submissions (9):

Labcorp Genetics (formerly Invitae), Labcorp
Classification: Likely benign for Ehlers-Danlos syndrome, type 4. Last evaluated: 2026-02-02. Review status: criteria provided, single submitter. Criteria: Invitae Variant Classification Sherloc (09022015). Collection method: clinical testing. Allele origin: germline.

Blueprint Genetics
Classification: Likely benign. Last evaluated: 2024-10-02. Review status: criteria provided, single submitter. Criteria: ACMG Guidelines, 2015. Collection method: clinical testing. Allele origin: germline.

CeGaT Center for Human Genetics Tuebingen
Classification: Likely benign. Last evaluated: 2024-09-01. Review status: criteria provided, single submitter. Criteria: CeGaT Center For Human Genetics Tuebingen Variant Classification Criteria Version 2. Collection method: clinical testing. Allele origin: germline. Affected: yes. Observed: 1 variant allele.
Comment: COL3A1: BP4, BP7

All of Us Research Program, National Institutes of Health
Classification: Likely benign for Ehlers-Danlos syndrome, type 4. Last evaluated: 2023-12-18. Review status: criteria provided, single submitter. Criteria: ACMG Guidelines, 2015. Collection method: clinical testing. Allele origin: germline. Inheritance: Autosomal dominant inheritance. Observed: 35 variant alleles, 35 heterozygotes.
Comment: This study involves interpretation of variants in research participants for the purpose of population health screening. Participant phenotype was not available at the time of variant classification. Additional details can be found in publication PMID: 35346344, PMCID: PMC8962531

CHEO Genetics Diagnostic Laboratory, Children's Hospital of Eastern Ontario
Classification: Likely benign for Familial thoracic aortic aneurysm and aortic dissection. Last evaluated: 2021-08-12. Review status: criteria provided, single submitter. Criteria: ACMG Guidelines, 2015. Collection method: clinical testing. Allele origin: germline.

GeneDx
Classification: Likely benign. Last evaluated: 2021-02-03. Review status: criteria provided, single submitter. Criteria: GeneDx Variant Classification Process June 2021. Collection method: clinical testing. Allele origin: germline. Affected: yes.

Ambry Genetics
Classification: Likely benign for Familial thoracic aortic aneurysm and aortic dissection. Last evaluated: 2019-08-20. Review status: criteria provided, single submitter. Criteria: Ambry Variant Classification Scheme 2023. Collection method: clinical testing. Allele origin: germline.

Color Diagnostics, LLC DBA Color Health
Classification: Likely benign for Familial thoracic aortic aneurysm and aortic dissection. Last evaluated: 2018-10-16. Review status: criteria provided, single submitter. Criteria: ACMG Guidelines, 2015. Collection method: clinical testing. Allele origin: germline.

Women's Health and Genetics/Laboratory Corporation of America, LabCorp
Classification: Benign. Last evaluated: 2016-04-04. Review status: criteria provided, single submitter. Criteria: LabCorp Variant Classification Summary - May 2015. Collection method: clinical testing. Allele origin: germline.
Comment: Variant Summary: The c.1617C>T variant involves the alteration of a non-conserved nucleotide resulting in a synonymous change. 5/5 in silico tools via Alamut predict no significant effect on splicing. The variant was observed in the large, broad control population, ExAC with, an allele frequency of 0.007%. This frequency exceeds the maximum expected allele frequency for a pathogenic COL3A1 variant (0.0001%), suggesting this is a benign polymorphism. The variant of interest has not, to our knowledge, been reported in affected individuals via publications and/or reputable databases/clinical laboratories; nor evaluated for functional impact by in vivo/vitro studies. Taken together, this variant has been classified as Benign.

NM_000090.4(COL3A1):c.1617C>T (p.Pro539=)

Gene: COL3A1 (collagen type III alpha 1 chain; plus strand). Cytogenetic location: 2q32.2.
Variant type: single nucleotide variant.
Coding change: c.1617C>T on transcript NM_000090.4 (MANE Select); coding-DNA position 1617, C replaced by T.
Protein change: p.Pro539=; no amino-acid change (proline 539 retained).
Molecular consequence: synonymous variant.
Genome position (GRCh38, 1-based): chr2:188,996,133, C>T. VCF-style: chr2-188996133-C-T. GRCh37 (hg19) VCF-style: chr2-189860859-C-T.
Identifiers: ClinVar variation 387033 (VCV000387033.34), dbSNP rs141091206, ClinGen allele CA074508.